The following is an entry in ClinVar:

ClinVar aggregate classification (germline): Pathogenic. Review status: criteria provided, multiple submitters, no conflicts (2 of 4 stars). 2 submissions from 2 submitters: Pathogenic (2). Last evaluated 2025-09-24.

Conditions:
Cholestasis, progressive familial intrahepatic, 12 (PFIC12). Also called: CHOLESTASIS, ISOLATED LOW-GGT. Identifiers: MedGen C5774311, MONDO:0031040, OMIM 620010.

Submissions (2):

Genesolutions, Medical Genetics Institutes, Ho Chi Minh City, Vietnam
Classification: Pathogenic for Cholestasis, progressive familial intrahepatic, 12. Last evaluated: 2025-09-24. Review status: criteria provided, single submitter. Criteria: ACMG Guidelines, 2015. Collection method: clinical testing. Allele origin: germline. Affected: yes.

GeneDx
Classification: Pathogenic. Last evaluated: 2015-05-27. Review status: criteria provided, single submitter. Criteria: GeneDx Variant Classification (06012015). Collection method: clinical testing. Allele origin: germline. Affected: yes.
Comment: The c.242delT deletion in the VPS33B gene has not been reported previously as a pathogenic variant nor as a benign polymorphism, to our knowledge. This frameshift ispredicted to cause loss of normal protein function either through protein truncation or nonsense-mediatedmRNA decay. In addition, the c.242delT variant was not observed in approximately 6,500 individuals ofEuropean and African American ancestry in the NHLBI Exome Sequencing Project, indicating it is not acommon benign variant in these populations. In summary, we interpret c.242delT as a pathogenic variant.

NM_018668.5(VPS33B):c.242del (p.Leu81fs)

Gene: VPS33B (VPS33B late endosome and lysosome associated; minus strand). Cytogenetic location: 15q26.1.
Variant type: Deletion.
Coding change: c.242del on transcript NM_018668.5 (MANE Select); coding-DNA position 242, one base deleted (T; older notation c.242delT).
Protein change: p.Leu81fs; shifts the reading frame from leucine 81.
Molecular consequence: frameshift variant. On other transcripts: 5 prime UTR variant (1).
Genome position (GRCh38, 1-based): chr15:91,014,431, A deleted on the plus strand (T on the coding strand, the reverse complement: VPS33B is on the minus strand); the first of 2 consecutive A bases (chr15:91,014,431-91,014,432); deleting either gives the same sequence. VCF-style (leftmost placement, unchanged base first): chr15-91014430-CA-C. GRCh37 (hg19) VCF-style: chr15-91557660-CA-C.
Other names: c.161del, p.Leu54fs (NM_001289148.1); c.-32del (NM_001289149.1); short protein forms L54fs, L81fs.
Identifiers: ClinVar variation 419058 (VCV000419058.3), dbSNP rs1064793614, ClinGen allele CA16620033.